The following is an entry in ClinVar:

ClinVar aggregate classification (germline): Uncertain significance (1 of 4 stars; one submission).

Conditions:
Progressive sclerosing poliodystrophy (MTDPS4A). Also called: Mitochondrial DNA depletion syndrome 4A (Alpers type); ALPERS PROGRESSIVE INFANTILE POLIODYSTROPHY; NEURONAL DEGENERATION OF CHILDHOOD WITH LIVER DISEASE, PROGRESSIVE; Mitochondrial DNA Depletion Syndrome 4A; Alpers-Huttenlocher Syndrome (AHS); Alpers Syndrome. Identifiers: Orphanet 726, MedGen C0205710, MONDO:0008758, OMIM 203700.

Allele frequency attached by ClinVar (database versions not stated): gnomAD 0.00001 and 0.00004; ExAC 0.00006.

Submission:

Labcorp Genetics (formerly Invitae), Labcorp
Classification: Uncertain significance for Progressive sclerosing poliodystrophy. Last evaluated: 2025-01-19. Review status: criteria provided, single submitter. Criteria: Invitae Variant Classification Sherloc (09022015). Collection method: clinical testing. Allele origin: germline.
Comment: This sequence change replaces arginine, which is basic and polar, with histidine, which is basic and polar, at codon 964 of the POLG protein (p.Arg964His). This variant is present in population databases (rs767339769, gnomAD 0.03%). This variant has not been reported in the literature in individuals affected with POLG-related conditions. ClinVar contains an entry for this variant (Variation ID: 1487719). Invitae Evidence Modeling of protein sequence and biophysical properties (such as structural, functional, and spatial information, amino acid conservation, physicochemical variation, residue mobility, and thermodynamic stability) indicates that this missense variant is expected to disrupt POLG protein function with a positive predictive value of 95%. In summary, the available evidence is currently insufficient to determine the role of this variant in disease. Therefore, it has been classified as a Variant of Uncertain Significance.

NM_002693.3(POLG):c.2891G>A (p.Arg964His)

Gene: POLG (DNA polymerase gamma, catalytic subunit; minus strand). Cytogenetic location: 15q26.1.
Variant type: single nucleotide variant.
Coding change: c.2891G>A on transcript NM_002693.3 (MANE Select); coding-DNA position 2891, G replaced by A.
Protein change: p.Arg964His; replaces arginine 964 with histidine.
Molecular consequence: missense variant.
Genome position (GRCh38, 1-based): chr15:89,320,856, C>T on the plus strand (G>A on the coding strand, the complement: POLG is on the minus strand). VCF-style: chr15-89320856-C-T. GRCh37 (hg19) VCF-style: chr15-89864087-C-T.
Other names: c.2891G>A, p.Arg964His (NM_001126131.2); short protein forms R964H.
Identifiers: ClinVar variation 1487719 (VCV001487719.5), dbSNP rs767339769, ClinGen allele CA316721.
Genomic context (GRCh38, chr15:89,320,856, plus strand): 5'-TGCTGGGCCTTCTCAGCTGCCTCCTGCTGTGTGAGCCGGTGGTTAAACTGCATTAGTAAG[C>T]GCTCAGCAAAGGGCTGCCCAGCACCATAGATGCGGCCGTAGTTGAAGATTTTGGCATGCT-3'
Protein context (NP_002684.1, residues 954-974): IYGAGQPFAE[Arg964His]LLMQFNHRLT